The following is an entry in ClinVar:

ClinVar aggregate classification (germline): Uncertain significance (1 of 4 stars; one submission).

Conditions:
Hereditary cancer-predisposing syndrome. Also called: Tumor predisposition; Neoplastic Syndromes, Hereditary; Hereditary neoplastic syndrome; Hereditary Cancer Syndrome. Identifiers: Orphanet 140162, MedGen C0027672, MeSH D009386, MONDO:0015356.

Submission:

Ambry Genetics
Classification: Uncertain significance for Hereditary cancer-predisposing syndrome. Last evaluated: 2024-11-12. Review status: criteria provided, single submitter. Criteria: Ambry Variant Classification Scheme 2023. Collection method: clinical testing. Allele origin: germline.
Comment: The p.G108E variant (also known as c.323G>A), located in coding exon 4 of the SDHD gene, results from a G to A substitution at nucleotide position 323. The glycine at codon 108 is replaced by glutamic acid, an amino acid with similar properties. This amino acid position is conserved. In addition, this alteration is predicted to be deleterious by in silico analysis. Based on the available evidence, the clinical significance of this variant remains unclear.

NM_003002.4(SDHD):c.323G>A (p.Gly108Glu)

Gene: SDHD (succinate dehydrogenase complex subunit D; plus strand). Cytogenetic location: 11q23.1.
Variant type: single nucleotide variant.
Coding change: c.323G>A on transcript NM_003002.4 (MANE Select); coding-DNA position 323, G replaced by A.
Protein change: p.Gly108Glu; replaces glycine 108 with glutamic acid.
Molecular consequence: missense variant. On other transcripts: 3 prime UTR variant (1), non-coding transcript variant (1).
Genome position (GRCh38, 1-based): chr11:112,094,813, G>A. VCF-style: chr11-112094813-G-A. GRCh37 (hg19) VCF-style: chr11-111965537-G-A.
Other names: c.178G>A, p.Asp60Asn (NM_001276503.2); c.206G>A, p.Gly69Glu (NM_001276504.2); c.*21G>A (NM_001276506.2); short protein forms G108E, G69E, D60N.
Identifiers: ClinVar variation 3438811 (VCV003438811.1).